The following is an entry in ClinVar:

NM_018896.5(CACNA1G):c.4582G>C (p.Val1528Leu)

Gene: CACNA1G (calcium voltage-gated channel subunit alpha1 G; plus strand). Cytogenetic location: 17q21.33.
Variant type: single nucleotide variant.
Coding change: c.4582G>C on transcript NM_018896.5 (MANE Select); coding-DNA position 4582, G replaced by C.
Protein change: p.Val1528Leu; replaces valine 1528 with leucine.
Molecular consequence: missense variant. On other transcripts: intron variant (8), non-coding transcript variant (5).
Genome position (GRCh38, 1-based): chr17:50,607,896, G>C. VCF-style: chr17-50607896-G-C. GRCh37 (hg19) VCF-style: chr17-48685257-G-C.
Other names: c.4582G>C, p.Val1528Leu (NM_001256324.2, NM_001256325.2, NM_001256327.2 and 9 more transcripts); c.4513G>C, p.Val1505Leu (NM_198376.3, NM_198379.3, NM_198382.3 and 4 more transcripts); c.4513-33G>C (NM_001256326.2, NM_001256330.2, NM_001256329.2 and 1 more transcripts); c.4444-33G>C (NM_001256332.2); c.4513-6G>C (NM_001256360.2); c.4513-12G>C (NM_001256361.2, NM_001256359.2); short protein forms V1528L, V1505L.
Identifiers: ClinVar variation 2825287 (VCV002825287.3), dbSNP rs2545574758, ClinGen allele CA400258835.

ClinVar aggregate classification (germline): Uncertain significance (1 of 4 stars; one submission).

Submission:

Labcorp Genetics (formerly Invitae), Labcorp
Classification: Uncertain significance. Last evaluated: 2024-09-16. Review status: criteria provided, single submitter. Criteria: Invitae Variant Classification Sherloc (09022015). Collection method: clinical testing. Allele origin: germline.
Comment: This sequence change replaces valine, which is neutral and non-polar, with leucine, which is neutral and non-polar, at codon 1528 of the CACNA1G protein (p.Val1528Leu). This variant is not present in population databases (gnomAD no frequency). This variant has not been reported in the literature in individuals affected with CACNA1G-related conditions. Invitae Evidence Modeling of protein sequence and biophysical properties (such as structural, functional, and spatial information, amino acid conservation, physicochemical variation, residue mobility, and thermodynamic stability) has been performed for this missense variant. However, the output from this modeling did not meet the statistical confidence thresholds required to predict the impact of this variant on CACNA1G protein function. In summary, the available evidence is currently insufficient to determine the role of this variant in disease. Therefore, it has been classified as a Variant of Uncertain Significance.